The following is an entry in ClinVar:

NM_005267.5(GJA8):c.1125dup (p.Gly376fs)

Gene: GJA8 (gap junction protein alpha 8; plus strand). Cytogenetic location: 1q21.2.
Variant type: Duplication.
Coding change: c.1125dup on transcript NM_005267.5 (MANE Select); coding-DNA position 1125, one base duplicated (C; older notation c.1125dupC).
Protein change: p.Gly376fs; shifts the reading frame from glycine 376.
Molecular consequence: frameshift variant.
Genome position (GRCh38, 1-based): chr1:147,909,080, C duplicated; the last of 5 consecutive C bases (chr1:147,909,076-147,909,080); duplicating any one gives the same sequence. VCF-style (leftmost placement, unchanged base first): chr1-147909075-A-AC. GRCh37 (hg19) VCF-style: chr1-147381202-A-AC.
Other names: short protein forms G376fs.
Identifiers: ClinVar variation 2718256 (VCV002718256.4), dbSNP rs782786257, ClinGen allele CA1066092.

ClinVar aggregate classification (germline): Uncertain significance. Review status: criteria provided, multiple submitters, no conflicts (2 of 4 stars). 2 submissions from 2 submitters: Uncertain significance (2). Last evaluated 2023-10-25.

Conditions:
Cataract 1 multiple types. Also called: CATARACT 1, NUCLEAR PROGRESSIVE; CATARACT 1 WITH MICROCORNEA; CATARACT 1, POSTERIOR SUBCAPSULAR, WITH MICROCORNEA; CATARACT 1, STELLATE NUCLEAR, WITH MICROCORNEA; CATARACT, DUFFY-LINKED; CATARACT 1, MULTIPLE TYPES, WITH OR WITHOUT MICROCORNEA. Identifiers: Orphanet 1377, MedGen C1861828, MONDO:0007285, OMIM 116200.

Submissions (2):

Revvity Omics, Revvity
Classification: Uncertain significance for Cataract 1 multiple types. Last evaluated: 2023-10-25. Review status: criteria provided, single submitter. Criteria: ACMG Guidelines, 2015. Collection method: clinical testing. Allele origin: germline.

Labcorp Genetics (formerly Invitae), Labcorp
Classification: Uncertain significance for Cataract 1 multiple types. Last evaluated: 2022-12-14. Review status: criteria provided, single submitter. Criteria: Invitae Variant Classification Sherloc (09022015). Collection method: clinical testing. Allele origin: germline.
Comment: This variant is present in population databases (rs782786257, gnomAD 0.005%). In summary, the available evidence is currently insufficient to determine the role of this variant in disease. Therefore, it has been classified as a Variant of Uncertain Significance. This variant disrupts a region of the GJA8 protein in which other variant(s) (p.Arg425*) have been observed in individuals with GJA8-related conditions (PMID: 25148791). This suggests that this is a clinically significant region of the protein, and that variants that disrupt it are likely to be disease-causing. This variant has not been reported in the literature in individuals affected with GJA8-related conditions. This sequence change creates a premature translational stop signal (p.Gly376Argfs*4) in the GJA8 gene. While this is not anticipated to result in nonsense mediated decay, it is expected to disrupt the last 58 amino acid(s) of the GJA8 protein.

Literature cited by the submitters: PubMed 25148791 (cited by Labcorp Genetics (formerly Invitae), Labcorp).